The following is an entry in ClinVar:

NM_001370100.5(ZMYND11):c.1179A>C (p.Pro393=)

Gene: ZMYND11 (zinc finger MYND-type containing 11; plus strand). Cytogenetic location: 10p15.3.
Variant type: single nucleotide variant.
Coding change: c.1179A>C on transcript NM_001370100.5 (MANE Select); coding-DNA position 1179, A replaced by C.
Protein change: p.Pro393=; no amino-acid change (proline 393 retained).
Molecular consequence: synonymous variant. On other transcripts: non-coding transcript variant (1), intron variant (2).
Genome position (GRCh38, 1-based): chr10:247,418, A>C. VCF-style: chr10-247418-A-C. GRCh37 (hg19) VCF-style: chr10-293358-A-C.
Other names: c.1017A>C, p.Pro339= (NM_001202464.3, NM_001202467.1, NM_001370103.2 and 6 more transcripts); c.924A>C, p.Pro308= (NM_001202465.3, NM_001370110.2); c.1014A>C, p.Pro338= (NM_001202466.3, NM_001370111.2); c.1179A>C, p.Pro393= (NM_001202468.1, NM_001370097.3, NM_001370098.2 and 4 more transcripts); c.1128A>C, p.Pro376= (NM_001330057.3, NM_001370112.2); c.1086A>C, p.Pro362= (NM_001370113.2, NM_001370114.2); c.1176A>C, p.Pro392= (NM_001370115.2, NM_212479.4); c.1113A>C, p.Pro371= (NM_001370116.2); and 8 more.
Identifiers: ClinVar variation 709249 (VCV000709249.12), dbSNP rs34846683, ClinGen allele CA5379179.

ClinVar aggregate classification (germline): Benign. Review status: criteria provided, single submitter (1 of 4 stars). 2 submissions from 2 submitters: Benign (1). 1 of the submissions does not count toward it. Last evaluated 2026-02-03.

Conditions:
ZMYND11-related disorder. Also called: ZMYND11-related condition.

Allele frequency attached by ClinVar (database versions not stated): gnomAD 0.00068 and 0.00135; 1000 Genomes Project 30x 0.00453; 1000 Genomes Project 0.00479; ESP Exome Variant Server 0.00069; TOPMed 0.00079; gnomAD exomes 0.00224 and 0.00351; ExAC 0.00373.
gnomAD v4.1: 3,493 of 1,614,170 alleles (0.22%); highest among the groups gnomAD compares: South Asian, 2.4%; 60 homozygotes.

Submissions (2):

Labcorp Genetics (formerly Invitae), Labcorp
Classification: Benign. Last evaluated: 2026-02-03. Review status: criteria provided, single submitter. Criteria: Invitae Variant Classification Sherloc (09022015). Collection method: clinical testing. Allele origin: germline.

PreventionGenetics, part of Exact Sciences
Classification: Benign for ZMYND11-related condition. Last evaluated: 2023-07-20. Review status: no assertion criteria provided. Collection method: clinical testing. Allele origin: germline. Not counted in ClinVar's aggregate classification.
Comment: This variant is classified as benign based on ACMG/AMP sequence variant interpretation guidelines (Richards et al. 2015 PMID: 25741868, with internal and published modifications).